The following is an entry in ClinVar:

NM_015978.3(TNNI3K):c.682+3A>T

Genes: FPGT-TNNI3K (FPGT-TNNI3K readthrough; plus strand), TNNI3K (TNNI3 interacting kinase; plus strand). Cytogenetic location: 1p31.1.
Variant type: single nucleotide variant.
Coding change: c.682+3A>T on transcript NM_015978.3 (MANE Select); 3 bases into the intron after coding-DNA position 682, A replaced by T.
Molecular consequence: intron variant.
Genome position (GRCh38, 1-based): chr1:74,336,152, A>T. VCF-style: chr1-74336152-A-T. GRCh37 (hg19) VCF-style: chr1-74801836-A-T.
Other names: c.985+3A>T (NM_001112808.3, NM_001199327.2).
Identifiers: ClinVar variation 1520923 (VCV001520923.6), dbSNP rs2100425357, ClinGen allele CA2573132590.

ClinVar aggregate classification (germline): Uncertain significance (1 of 4 stars; one submission).

Submission:

Labcorp Genetics (formerly Invitae), Labcorp
Classification: Uncertain significance. Last evaluated: 2021-03-28. Review status: criteria provided, single submitter. Criteria: Invitae Variant Classification Sherloc (09022015). Collection method: clinical testing. Allele origin: germline.
Comment: This variant is not present in population databases (ExAC no frequency). This variant has not been reported in the literature in individuals with TNNI3K-related conditions. This sequence change falls in intron 7 of the TNNI3K gene. It does not directly change the encoded amino acid sequence of the TNNI3K protein. It affects a nucleotide within the consensus splice site of the intron. In summary, the available evidence is currently insufficient to determine the role of this variant in disease. Therefore, it has been classified as a Variant of Uncertain Significance. Nucleotide substitutions within the consensus splice site are a relatively common cause of aberrant splicing (PMID: 17576681, 9536098). Algorithms developed to predict the effect of sequence changes on RNA splicing suggest that this variant may disrupt the consensus splice site, but this prediction has not been confirmed by published transcriptional studies.

Literature cited by the submitters: PubMed 17576681; PubMed 9536098.